The following is an entry in ClinVar:

NM_020975.6(RET):c.83G>A (p.Gly28Asp)

Gene: RET (ret proto-oncogene; plus strand). Cytogenetic location: 10q11.21.
Variant type: single nucleotide variant.
Coding change: c.83G>A on transcript NM_020975.6 (MANE Select); coding-DNA position 83, G replaced by A.
Protein change: p.Gly28Asp; replaces glycine 28 with aspartic acid.
Molecular consequence: missense variant. On other transcripts: intron variant (4).
Genome position (GRCh38, 1-based): chr10:43,100,468, G>A. VCF-style: chr10-43100468-G-A. GRCh37 (hg19) VCF-style: chr10-43595916-G-A.
Other names: c.83G>A, p.Gly28Asp (NM_001406743.1, NM_001406744.1, NM_001406759.1 and 32 more transcripts); c.74-8563G>A (NM_001406784.1); c.74-11631G>A (NM_001406794.1, NM_001406792.1, NM_001406793.1); short protein forms G28D.
Identifiers: ClinVar variation 4992619 (VCV004992619.1).

ClinVar aggregate classification (germline): Uncertain significance (1 of 4 stars; one submission).

Conditions:
RET-related disorder. Also called: RET-related condition; RET-related disease; RET-related disorders.

Submission:

PreventionGenetics, part of Exact Sciences
Classification: Uncertain significance for RET-related condition. Last evaluated: 2025-11-05. Review status: criteria provided, single submitter. Criteria: ACMG Guidelines, 2015. Collection method: clinical testing. Allele origin: germline.
Comment: The RET c.83G>A variant is predicted to result in the amino acid substitution p.Gly28Asp. To our knowledge, this variant has not been reported in the literature or in a large population database (gnomAD), indicating this variant is rare. At this time, the clinical significance of this variant is uncertain due to the absence of conclusive functional and genetic evidence.